The following is an entry in ClinVar:

ClinVar aggregate classification (germline): Likely pathogenic (1 of 4 stars; one submission).

Submission:

Athena Diagnostics
Classification: Likely pathogenic. Last evaluated: 2020-07-31. Review status: criteria provided, single submitter. Criteria: Athena Diagnostics Criteria. Collection method: clinical testing. Allele origin: unknown.
Comment: The variant results in a shift of the reading frame, and is therefore predicted to result in the loss of a functional protein. Not found in the total gnomAD dataset, but the area has low coverage, or is a low quality site.

NM_001127222.2(CACNA1A):c.6408_6409insTAGCCTG (p.Asp2137Ter)

Gene: CACNA1A (calcium voltage-gated channel subunit alpha1 A; minus strand). Cytogenetic location: 19p13.13.
Variant type: Insertion.
Coding change: c.6408_6409insTAGCCTG on transcript NM_001127222.2 (MANE Select); coding-DNA positions 6408 to 6409, TAGCCTG inserted.
Protein change: p.Asp2137Ter; replaces aspartic acid 2137 with a stop codon.
Molecular consequence: nonsense.
Genome position: GRCh38 VCF-style: chr19-13209429-C-CCAGGCTA. GRCh37 (hg19) VCF-style: chr19-13320243-C-CCAGGCTA.
Other names: c.6426_6427insTAGCCTG, p.Asp2143Ter (NM_000068.4, NM_023035.3); c.6411_6412insTAGCCTG, p.Asp2138Ter (NM_001127221.2); c.6417_6418insTAGCCTG, p.Asp2140Ter (NM_001174080.2); short protein forms D2137*, D2138*, D2140*, D2143*.
Identifiers: ClinVar variation 995297 (VCV000995297.1), dbSNP rs2054719760, ClinGen allele CA1139666310.
Genomic context (GRCh38, chr19:13,209,429, plus strand): 5'-CGCGGCGCCGCTGGTGGTGCCGCTGGTTCTCCTCGGGCGGGACCCGCTCCAGCGAGTAAT[C>CCAGGCTA]GTCCAGGCGTCGGGCCTTGGGGCCCAGCACGGAGGCTGAACGCTTCATGGGGCTGGTGTC-3'